The following is an entry in ClinVar:

NM_016653.3(MAP3K20):c.829C>G (p.Leu277Val)

Genes: MAP3K20 (mitogen-activated protein kinase kinase kinase 20; plus strand), MAP3K20-AS1 (MAP3K20 antisense RNA 1; minus strand). Cytogenetic location: 2q31.1.
Variant type: single nucleotide variant.
Coding change: c.829C>G on transcript NM_016653.3 (MANE Select); coding-DNA position 829, C replaced by G.
Protein change: p.Leu277Val; replaces leucine 277 with valine.
Molecular consequence: missense variant. On other transcripts: non-coding transcript variant (1).
Genome position (GRCh38, 1-based): chr2:173,209,813, C>G. VCF-style: chr2-173209813-C-G. GRCh37 (hg19) VCF-style: chr2-174074541-C-G.
Other names: c.829C>G, p.Leu277Val (NM_133646.3); short protein forms L277V.
Identifiers: ClinVar variation 1402685 (VCV001402685.3), dbSNP rs532996788, ClinGen allele CA1970534.

ClinVar aggregate classification (germline): Uncertain significance (1 of 4 stars; one submission).

Allele frequency attached by ClinVar (database versions not stated): gnomAD 0.00010; 1000 Genomes Project 30x 0.00016; 1000 Genomes Project 0.00020.
gnomAD v4.1: 47 of 1,614,136 alleles (0.0029%); highest among the groups gnomAD compares: African/African-American, 0.024%; no homozygotes.

Submission:

Labcorp Genetics (formerly Invitae), Labcorp
Classification: Uncertain significance. Last evaluated: 2022-08-15. Review status: criteria provided, single submitter. Criteria: Invitae Variant Classification Sherloc (09022015). Collection method: clinical testing. Allele origin: germline.
Comment: This sequence change replaces leucine, which is neutral and non-polar, with valine, which is neutral and non-polar, at codon 277 of the MAP3K20 protein (p.Leu277Val). This variant is present in population databases (rs532996788, gnomAD 0.01%). This variant has not been reported in the literature in individuals affected with MAP3K20-related conditions. ClinVar contains an entry for this variant (Variation ID: 1402685). Experimental studies and prediction algorithms are not available or were not evaluated, and the functional significance of this variant is currently unknown. In summary, the available evidence is currently insufficient to determine the role of this variant in disease. Therefore, it has been classified as a Variant of Uncertain Significance.